The following is an entry in ClinVar:

ClinVar aggregate classification (germline): Uncertain significance (1 of 4 stars; one submission).

Conditions:
Neurodevelopmental disorder. Identifiers: MedGen C1535926, MeSH D065886, MONDO:0700092.

Submission:

Broad Center for Mendelian Genomics, Broad Institute of MIT and Harvard
Classification: Uncertain significance for Neurodevelopmental disorder. Last evaluated: 2024-06-19. Review status: criteria provided, single submitter. Criteria: ACMG Guidelines, 2015. Collection method: curation. Allele origin: germline. Inheritance: Autosomal recessive inheritance. Study: GREGoR Consortium.
Comment: While this gene is still lacking sufficient evidence to establish a gene-disease relationship, we believe this is a possible novel gene candidate for neurodevelopmental disorders. Given the limited information about this gene-disease relationship, the significance of the p.Arg27AlafsTer2 variant is uncertain. If you have any additional information about functional evidence or other individuals with this phenotype that also have variants in NFE2L3 we encourage you to reach out to us.

NM_004289.7(NFE2L3):c.79del (p.Arg27fs)

Gene: NFE2L3 (NFE2 like bZIP transcription factor 3; plus strand). Cytogenetic location: 7p15.2.
Variant type: Deletion.
Coding change: c.79del on transcript NM_004289.7 (MANE Select); coding-DNA position 79, one base deleted (C; older notation c.79delC).
Protein change: p.Arg27fs; shifts the reading frame from arginine 27.
Molecular consequence: frameshift variant.
Genome position (GRCh38, 1-based): chr7:26,152,577, C deleted; the last of 2 consecutive C bases (chr7:26,152,576-26,152,577); deleting either gives the same sequence. VCF-style (leftmost placement, unchanged base first): chr7-26152575-TC-T. GRCh37 (hg19) VCF-style: chr7-26192195-TC-T.
Other names: NM_004289.7:c.79del; short protein forms R27fs.
Identifiers: ClinVar variation 3252061 (VCV003252061.1), dbSNP rs2535583651.